The following is an entry in ClinVar:

ClinVar aggregate classification (germline): Uncertain significance (1 of 4 stars; one submission).

Conditions:
Epidermolysis bullosa simplex with nail dystrophy (EBS5D). Identifiers: MedGen C4225309, MONDO:0014661, OMIM 616487.
Epidermolysis bullosa simplex, Ogna type (EBS5A). Also called: Pidermolysis bullosa simplex 5A, Ogna type; EPIDERMOLYSIS BULLOSA SIMPLEX 5A, OGNA TYPE. Identifiers: Orphanet 79401, MedGen C0432317, MONDO:0007555, OMIM 131950.
Autosomal recessive limb-girdle muscular dystrophy type 2Q (LGMDR17). Also called: MUSCULAR DYSTROPHY, LIMB-GIRDLE, AUTOSOMAL RECESSIVE 17. Identifiers: Orphanet 254361, MedGen C3150989, MONDO:0013390, OMIM 613723.
Epidermolysis bullosa simplex 5B, with muscular dystrophy (EBS5B). Also called: EPIDERMOLYSIS BULLOSA SIMPLEX AND LIMB-GIRDLE MUSCULAR DYSTROPHY; Epidermolysis bullosa simplex with muscular dystrophy. Identifiers: Orphanet 257, MedGen C2931072, MONDO:0009181, OMIM 226670.
Epidermolysis bullosa simplex 5C, with pyloric atresia (EBS5C). Also called: PLEC-Related Epidermolysis Bullosa with Pyloric Atresia; Epidermolysis bullosa simplex with pyloric atresia; PLEC1-Related Epidermolysis Bullosa with Pyloric Atresia. Identifiers: Orphanet 158684, MedGen C2677349, MONDO:0012807, OMIM 612138.

Allele frequency attached by ClinVar (database versions not stated): gnomAD exomes below 0.00001.
gnomAD v4.1: 1 of 1,609,054 alleles (0.000062%); highest among the groups gnomAD compares: Non-Finnish European, 0.000085%; no homozygotes.

Submission:

Labcorp Genetics (formerly Invitae), Labcorp
Classification: Uncertain significance for Autosomal recessive limb-girdle muscular dystrophy type 2Q; Epidermolysis bullosa simplex, Ogna type; Epidermolysis bullosa simplex with nail dystrophy; Epidermolysis bullosa simplex 5C, with pyloric atresia; Epidermolysis bullosa simplex 5B, with muscular dystrophy. Last evaluated: 2023-12-31. Review status: criteria provided, single submitter. Criteria: Invitae Variant Classification Sherloc (09022015). Collection method: clinical testing. Allele origin: germline.
Comment: This sequence change affects codon 448 of the PLEC mRNA. It is a 'silent' change, meaning that it does not change the encoded amino acid sequence of the PLEC protein. This variant also falls at the last nucleotide of exon 13, which is part of the consensus splice site for this exon. This variant is not present in population databases (gnomAD no frequency). This variant has not been reported in the literature in individuals affected with PLEC-related conditions. Variants that disrupt the consensus splice site are a relatively common cause of aberrant splicing (PMID: 17576681, 9536098). Algorithms developed to predict the effect of sequence changes on RNA splicing suggest that this variant may disrupt the consensus splice site. In summary, the available evidence is currently insufficient to determine the role of this variant in disease. Therefore, it has been classified as a Variant of Uncertain Significance.

Literature cited by the submitters: PubMed 17576681; PubMed 9536098.

NM_201384.3(PLEC):c.1263G>C (p.Ser421=)

Genes: PLEC (plectin; minus strand), LOC130001334 (ATAC-STARR-seq lymphoblastoid silent region 19628; plus strand). Cytogenetic location: 8q24.3.
Variant type: single nucleotide variant.
Coding change: c.1263G>C on transcript NM_201384.3 (MANE Select); coding-DNA position 1263, G replaced by C.
Protein change: p.Ser421=; no amino-acid change (serine 421 retained).
Molecular consequence: synonymous variant.
Genome position (GRCh38, 1-based): chr8:143,933,998, C>G on the plus strand (G>C on the coding strand, the complement: PLEC is on the minus strand). VCF-style: chr8-143933998-C-G. GRCh37 (hg19) VCF-style: chr8-145008166-C-G.
Other names: c.1344G>C, p.Ser448= (NM_000445.5, NM_001410941.1); c.1221G>C, p.Ser407= (NM_201378.4); c.1197G>C, p.Ser399= (NM_201379.3); c.1674G>C, p.Ser558= (NM_201380.4); c.1167G>C, p.Ser389= (NM_201381.3); c.1263G>C, p.Ser421= (NM_201382.4); c.1275G>C, p.Ser425= (NM_201383.3).
Identifiers: ClinVar variation 2939576 (VCV002939576.3), dbSNP rs864309672, ClinGen allele CA463434597.